The following is an entry in ClinVar:

ClinVar aggregate classification (germline): Uncertain significance. Review status: criteria provided, multiple submitters, no conflicts (2 of 4 stars). 2 submissions from 2 submitters: Uncertain significance (2). Last evaluated 2022-12-02.

Conditions:
Inborn genetic diseases. Identifiers: MedGen C0950123, MeSH D030342.
Charcot-Marie-Tooth disease axonal type 2C (HMSN2C). Also called: CHARCOT-MARIE-TOOTH DISEASE, AXONAL, AUTOSOMAL DOMINANT, TYPE 2C; Charcot-Marie-Tooth Neuropathy Type 2C; Charcot-Marie-Tooth Disease Type 2, TRPV4-Related (CMT2C). Identifiers: Orphanet 99937, MedGen C1853710, MONDO:0011633, OMIM 606071.

Allele frequency attached by ClinVar (database versions not stated): ExAC 0.00002; gnomAD exomes 0.00001.

Submissions (2):

Labcorp Genetics (formerly Invitae), Labcorp
Classification: Uncertain significance for Charcot-Marie-Tooth disease axonal type 2C. Last evaluated: 2022-12-02. Review status: criteria provided, single submitter. Criteria: Invitae Variant Classification Sherloc (09022015). Collection method: clinical testing. Allele origin: germline.
Comment: In summary, the available evidence is currently insufficient to determine the role of this variant in disease. Therefore, it has been classified as a Variant of Uncertain Significance. This variant has not been reported in the literature in individuals affected with TRPV4-related conditions. This variant is present in population databases (rs770806416, gnomAD 0.006%). This sequence change creates a premature translational stop signal (p.Tyr439Thrfs*96) in the TRPV4 gene. It is expected to result in an absent or disrupted protein product. However, the current clinical and genetic evidence is not sufficient to establish whether loss-of-function variants in TRPV4 cause disease.

Ambry Genetics
Classification: Uncertain significance for Inborn genetic diseases. Last evaluated: 2020-12-28. Review status: criteria provided, single submitter. Criteria: Ambry Variant Classification Scheme 2023. Collection method: clinical testing. Allele origin: germline.
Comment: The c.1314delG variant, located in coding exon 6 of the TRPV4 gene, results from a deletion of one nucleotide at nucleotide position 1314, causing a translational frameshift with a predicted alternate stop codon (p.Y439Tfs*96). This alteration is expected to result in premature protein truncation or nonsense-mediated mRNA decay. However, loss of function of TRPV4 has not been clearly established as a mechanism of disease. Since supporting evidence is limited at this time, the clinical significance of this alteration remains unclear.

NM_021625.5(TRPV4):c.1314del (p.Tyr439fs)

Gene: TRPV4 (transient receptor potential cation channel subfamily V member 4; minus strand). Cytogenetic location: 12q24.11.
Variant type: Deletion.
Coding change: c.1314del on transcript NM_021625.5 (MANE Select); coding-DNA position 1314, one base deleted (G; older notation c.1314delG).
Protein change: p.Tyr439fs; shifts the reading frame from tyrosine 439.
Molecular consequence: frameshift variant. On other transcripts: intron variant (2).
Genome position (GRCh38, 1-based): chr12:109,796,543, C deleted on the plus strand (G on the coding strand, the reverse complement: TRPV4 is on the minus strand). VCF-style (leftmost placement, unchanged base first): chr12-109796542-AC-A. GRCh37 (hg19) VCF-style: chr12-110234347-AC-A.
Other names: c.1173delG, p.Tyr392Thrfs (NM_001177428.2); c.1212delG, p.Tyr405Thrfs (NM_001177431.2); c.1012-2056del (NM_001177433.1); c.1153-2056del (NM_147204.2); short protein forms Y392fs, Y405fs, Y439fs.
Identifiers: ClinVar variation 1769743 (VCV001769743.5), dbSNP rs770806416, ClinGen allele CA6780293.